The following is an entry in ClinVar:

NM_003361.4(UMOD):c.139G>A (p.Val47Ile)

Gene: UMOD (uromodulin; minus strand). Cytogenetic location: 16p12.3.
Variant type: single nucleotide variant.
Coding change: c.139G>A on transcript NM_003361.4 (MANE Select); coding-DNA position 139, G replaced by A.
Protein change: p.Val47Ile; replaces valine 47 with isoleucine.
Molecular consequence: missense variant. On other transcripts: non-coding transcript variant (1).
Genome position (GRCh38, 1-based): chr16:20,349,162, C>T on the plus strand (G>A on the coding strand, the complement: UMOD is on the minus strand). VCF-style: chr16-20349162-C-T. GRCh37 (hg19) VCF-style: chr16-20360484-C-T.
Other names: c.139G>A, p.Val47Ile (NM_001008389.3, NM_001378232.1, NM_001378233.1 and 3 more transcripts); c.238G>A, p.Val80Ile (NM_001278614.2); c.139G>A (NM_003361.2); short protein forms V47I, V80I.
Identifiers: ClinVar variation 884636 (VCV000884636.16), dbSNP rs917737950, ClinGen allele CA279300289.

ClinVar aggregate classification (germline): Uncertain significance. Review status: criteria provided, multiple submitters, no conflicts (2 of 4 stars). 5 submissions from 5 submitters: Uncertain significance (5). Last evaluated 2025-11-24.

Conditions:
Inborn genetic diseases. Identifiers: MedGen C0950123, MeSH D030342.
Familial juvenile hyperuricemic nephropathy type 1 (ADTKD1). Also called: Glomerulocystic kidney disease with hyperuricemia and isosthenuria; Medullary cystic kidney disease 2; Autosomal Dominant Tubulointerstitial Kidney Disease – UMOD; UMOD-Associated Kidney Disease; Uromodulin-associated kidney disease. Identifiers: Orphanet 209886, Orphanet 34149, Orphanet 88950, MedGen C4551496, MONDO:0008073, OMIM 162000.

Allele frequency attached by ClinVar (database versions not stated): TOPMed below 0.00001.
gnomAD v4.1: 9 of 1,614,088 alleles (0.00056%); highest among the groups gnomAD compares: East Asian, 0.0022%; no homozygotes.

Submissions (5):

Ambry Genetics
Classification: Uncertain significance for Inborn genetic diseases. Last evaluated: 2025-11-24. Review status: criteria provided, single submitter. Criteria: Ambry Variant Classification Scheme 2023. Collection method: clinical testing. Allele origin: germline.

Labcorp Genetics (formerly Invitae), Labcorp
Classification: Uncertain significance. Last evaluated: 2025-04-17. Review status: criteria provided, single submitter. Criteria: Invitae Variant Classification Sherloc (09022015). Collection method: clinical testing. Allele origin: germline.
Comment: This sequence change replaces valine, which is neutral and non-polar, with isoleucine, which is neutral and non-polar, at codon 47 of the UMOD protein (p.Val47Ile). This variant is not present in population databases (gnomAD no frequency). This variant has not been reported in the literature in individuals affected with UMOD-related conditions. ClinVar contains an entry for this variant (Variation ID: 884636). Invitae Evidence Modeling of protein sequence and biophysical properties (such as structural, functional, and spatial information, amino acid conservation, physicochemical variation, residue mobility, and thermodynamic stability) indicates that this missense variant is not expected to disrupt UMOD protein function with a negative predictive value of 95%. In summary, the available evidence is currently insufficient to determine the role of this variant in disease. Therefore, it has been classified as a Variant of Uncertain Significance.

Fulgent Genetics
Classification: Uncertain significance for Familial juvenile hyperuricemic nephropathy type 1. Last evaluated: 2024-05-10. Review status: criteria provided, single submitter. Criteria: ACMG Guidelines, 2015. Collection method: clinical testing. Allele origin: germline.

Department of Pathology and Laboratory Medicine, Sinai Health System
Classification: Uncertain significance for Familial juvenile hyperuricemic nephropathy type 1. Last evaluated: 2021-11-16. Review status: criteria provided, single submitter. Criteria: ACMG Guidelines, 2015. Collection method: research. Allele origin: germline.

Illumina Laboratory Services, Illumina
Classification: Uncertain significance for UMOD-Associated Kidney Disease. Last evaluated: 2018-01-13. Review status: criteria provided, single submitter. Criteria: ICSL Variant Classification Criteria 13 December 2019. Collection method: clinical testing. Allele origin: germline.